The following is an entry in ClinVar:

ClinVar aggregate classification (germline): Likely pathogenic (1 of 4 stars; one submission).

Conditions:
Complement component 3 deficiency. Identifiers: Orphanet 280133, MedGen C3151071, MONDO:0013417, OMIM 613779.

Submission:

Genomenon, Inc
Classification: Likely pathogenic for Complement component 3 deficiency. Last evaluated: 2025-09-30. Review status: criteria provided, single submitter. Criteria: Genomenon Sequence Variant Interpretation Standards. Collection method: curation. Allele origin: germline. Affected: no.
Comment: C3 p.Glu299ArgfsTer4 (c.895del) is a frameshift variant that results in the production of a truncated protein which is predicted to undergo nonsense-mediated mRNA decay. This variant has been reported in the published literature (PMID:30131807). It is absent or not present at a significant frequency in gnomAD. In conclusion, we classify C3 p.Glu299ArgfsTer4 (c.895del) as a likely pathogenic variant.

Literature cited by the submitters: PubMed 30131807.

NM_000064.4(C3):c.895del (p.Glu299fs)

Gene: C3 (complement C3; minus strand). Cytogenetic location: 19p13.3.
Variant type: Deletion.
Coding change: c.895del on transcript NM_000064.4 (MANE Select); coding-DNA position 895, one base deleted (G; older notation c.895delG).
Protein change: p.Glu299fs; shifts the reading frame from glutamic acid 299.
Molecular consequence: frameshift variant.
Genome position (GRCh38, 1-based): chr19:6,713,297, C deleted on the plus strand (G on the coding strand, the reverse complement: C3 is on the minus strand); the first of 5 consecutive C bases (chr19:6,713,297-6,713,301); deleting any one gives the same sequence. VCF-style (leftmost placement, unchanged base first): chr19-6713296-TC-T. GRCh37 (hg19) VCF-style: chr19-6713307-TC-T.
Other names: short protein forms E299fs.
Identifiers: ClinVar variation 4280291 (VCV004280291.1).